The following is an entry in ClinVar:

ClinVar aggregate classification (germline): Uncertain significance (1 of 4 stars; one submission).

Submission:

Ambry Genetics
Classification: Uncertain significance. Last evaluated: 2023-09-14. Review status: criteria provided, single submitter. Criteria: Ambry Variant Classification Scheme 2023. Collection method: clinical testing. Allele origin: germline.
Comment: The p.A553V variant (also known as c.1658C>T), located in coding exon 15 of the RAD54L gene, results from a C to T substitution at nucleotide position 1658. The alanine at codon 553 is replaced by valine, an amino acid with similar properties. This amino acid position is conserved. In addition, the in silico prediction for this alteration is inconclusive. Since supporting evidence is limited at this time, the clinical significance of this alteration remains unclear.

NM_003579.4(RAD54L):c.1658C>T (p.Ala553Val)

Gene: RAD54L (RAD54 like; plus strand). Cytogenetic location: 1p34.1.
Variant type: single nucleotide variant.
Coding change: c.1658C>T on transcript NM_003579.4 (MANE Select); coding-DNA position 1658, C replaced by T.
Protein change: p.Ala553Val; replaces alanine 553 with valine.
Molecular consequence: missense variant.
Genome position (GRCh38, 1-based): chr1:46,274,185, C>T. VCF-style: chr1-46274185-C-T. GRCh37 (hg19) VCF-style: chr1-46739857-C-T.
Other names: c.1658C>T, p.Ala553Val (NM_001142548.2); c.1118C>T, p.Ala373Val (NM_001370766.1); short protein forms A373V, A553V.
Identifiers: ClinVar variation 2625176 (VCV002625176.2), dbSNP rs2148302729, ClinGen allele CA340183558.